The following is an entry in ClinVar:

ClinVar aggregate classification (germline): Uncertain significance (1 of 4 stars; one submission).

Conditions:
Hereditary cancer-predisposing syndrome. Also called: Neoplastic Syndromes, Hereditary; Tumor predisposition; Hereditary Cancer Syndrome; Hereditary neoplastic syndrome. Identifiers: Orphanet 140162, MedGen C0027672, MeSH D009386, MONDO:0015356.

Submission:

Color Diagnostics, LLC DBA Color Health
Classification: Uncertain significance for Hereditary cancer-predisposing syndrome. Last evaluated: 2019-11-18. Review status: criteria provided, single submitter. Criteria: ACMG Guidelines, 2015. Collection method: clinical testing. Allele origin: germline.
Comment: This variant causes a T>A nucleotide substitution at the -8 position of intron 1 of the CHEK2 gene. To our knowledge, functional studies have not been performed for this variant. This variant has not been reported in individuals affected with hereditary cancer in the literature. This variant has not been identified in the general population by the Genome Aggregation Database (gnomAD). The available evidence is insufficient to determine the role of this variant in disease conclusively. Therefore, this variant is classified as a Variant of Uncertain Significance.

NM_007194.4(CHEK2):c.-6-8T>A

Gene: CHEK2 (checkpoint kinase 2; minus strand). Cytogenetic location: 22q12.1.
Variant type: single nucleotide variant.
Coding change: c.-6-8T>A on transcript NM_007194.4 (MANE Select); 8 bases into the intron before 6 bases upstream of the start codon, T replaced by A.
Molecular consequence: intron variant.
Genome position (GRCh38, 1-based): chr22:28,734,735, A>T on the plus strand (T>A on the coding strand, the complement: CHEK2 is on the minus strand). VCF-style: chr22-28734735-A-T. GRCh37 (hg19) VCF-style: chr22-29130723-A-T.
Other names: c.-345+7034T>A (NM_001437942.1); c.-6-8T>A (NM_001349956.3, NM_145862.3, NM_001438295.1 and 3 more transcripts); c.-783-8T>A (NM_001257387.3).
Identifiers: ClinVar variation 925616 (VCV000925616.3), dbSNP rs1555932995, ClinGen allele CA913189038.